The following is an entry in ClinVar:

NM_000052.7(ATP7A):c.3293A>T (p.Gln1098Leu)

Gene: ATP7A (ATPase copper transporting alpha; plus strand). Cytogenetic location: Xq21.1.
Variant type: single nucleotide variant.
Coding change: c.3293A>T on transcript NM_000052.7 (MANE Select); coding-DNA position 3293, A replaced by T.
Protein change: p.Gln1098Leu; replaces glutamine 1098 with leucine.
Molecular consequence: missense variant. On other transcripts: non-coding transcript variant (1).
Genome position (GRCh38, 1-based): chrX:78,031,581, A>T. VCF-style: chrX-78031581-A-T. GRCh37 (hg19) VCF-style: chrX-77287079-A-T.
Other names: c.3059A>T, p.Gln1020Leu (NM_001282224.2); short protein forms Q1020L, Q1098L.
Identifiers: ClinVar variation 3762521 (VCV003762521.2).

ClinVar aggregate classification (germline): Uncertain significance (1 of 4 stars; one submission).

Conditions:
Menkes kinky-hair syndrome (MNK). Also called: Copper transport disease; Menkes Disease; Classic Menkes Disease. Identifiers: Orphanet 565, MedGen C0022716, MONDO:0010651, OMIM 309400.
Cutis laxa, X-linked (OHS). Also called: EDS IX; Occipital horn syndrome. Identifiers: Orphanet 198, MedGen C0268353, MONDO:0010572, OMIM 304150.
X-linked distal spinal muscular atrophy type 3. Also called: NEURONOPATHY, DISTAL HEREDITARY MOTOR, X-LINKED; NEUROPATHY, DISTAL HEREDITARY MOTOR, X-LINKED; ATP7A-Related Distal Motor Neuropathy; SPINAL MUSCULAR ATROPHY, DISTAL, X-LINKED RECESSIVE. Identifiers: Orphanet 139557, MedGen C1845359, MONDO:0010338, OMIM 300489.

Submission:

Labcorp Genetics (formerly Invitae), Labcorp
Classification: Uncertain significance for X-linked distal spinal muscular atrophy type 3; Cutis laxa, X-linked; Menkes kinky-hair syndrome. Last evaluated: 2026-01-05. Review status: criteria provided, single submitter. Criteria: Invitae Variant Classification Sherloc (09022015). Collection method: clinical testing. Allele origin: germline.
Comment: This sequence change replaces glutamine, which is neutral and polar, with leucine, which is neutral and non-polar, at codon 1098 of the ATP7A protein (p.Gln1098Leu). This variant is present in population databases (rs782188052, gnomAD 0.001%). This variant has not been reported in the literature in individuals affected with ATP7A-related conditions. ClinVar contains an entry for this variant (Variation ID: 3762521). An algorithm developed to predict the effect of missense changes on protein structure and function (PolyPhen-2) suggests that this variant is likely to be tolerated. Algorithms developed to predict the effect of sequence changes on RNA splicing suggest that this variant may disrupt the consensus splice site. In summary, the available evidence is currently insufficient to determine the role of this variant in disease. Therefore, it has been classified as a Variant of Uncertain Significance.